The following is an entry in ClinVar:

NM_020843.4(SCAPER):c.1404C>T (p.Asn468=)

Gene: SCAPER (S-phase cyclin A associated protein in the ER; minus strand). Cytogenetic location: 15q24.3.
Variant type: single nucleotide variant.
Coding change: c.1404C>T on transcript NM_020843.4 (MANE Select); coding-DNA position 1404, C replaced by T.
Protein change: p.Asn468=; no amino-acid change (asparagine 468 retained).
Molecular consequence: synonymous variant. On other transcripts: non-coding transcript variant (1).
Genome position (GRCh38, 1-based): chr15:76,766,933, G>A on the plus strand (C>T on the coding strand, the complement: SCAPER is on the minus strand). VCF-style: chr15-76766933-G-A. GRCh37 (hg19) VCF-style: chr15-77059274-G-A.
Other names: c.666C>T, p.Asn222= (NM_001145923.2); c.1422C>T, p.Asn474= (NM_001353009.2); c.1002C>T, p.Asn334= (NM_001353010.2, NM_001353012.2); c.1020C>T, p.Asn340= (NM_001353011.2); c.1422C>T (NM_001353009.1).
Identifiers: ClinVar variation 4925988 (VCV004925988.2).
Genomic context (GRCh38, chr15:76,766,933, plus strand): 5'-AAATATAAATTTTGAATAGTTATGTTAAAAAGTCTAAAAGCTCACAGAAAAATCACTGTC[G>A]TTGTCAGTTTCAATGTTAATATCATTGTTTTCTTCAGCTTCAATTTCTCTAGTTAACTGT-3'
Protein context (NP_065894.2, residues 458-478): ENNDINIETD[Asn468=]DSDFSASMGS

ClinVar aggregate classification (germline): Likely benign. Review status: criteria provided, multiple submitters, no conflicts (2 of 4 stars). 2 submissions from 2 submitters: Likely benign (2). Last evaluated 2025-01-02.

Conditions:
SCAPER-related disorder. Also called: SCAPER-related condition.

gnomAD v4.1: 106 of 1,595,812 alleles (0.0066%); highest among the groups gnomAD compares: Non-Finnish European, 0.0085%; no homozygotes.

Submissions (2):

PreventionGenetics, part of Exact Sciences
Classification: Likely benign for SCAPER-related condition. Last evaluated: 2025-01-02. Review status: criteria provided, single submitter. Criteria: ACMG Guidelines, 2015. Collection method: clinical testing. Allele origin: germline.
Comment: This variant is classified as likely benign based on ACMG/AMP sequence variant interpretation guidelines (Richards et al. 2015 PMID: 25741868, with internal and published modifications).

Blueprint Genetics
Classification: Likely benign. Last evaluated: 2024-02-13. Review status: criteria provided, single submitter. Criteria: ACMG Guidelines, 2015. Collection method: clinical testing. Allele origin: germline.